The following is an entry in ClinVar:

NM_002471.4(MYH6):c.4084G>A (p.Val1362Ile)

Gene: MYH6 (myosin heavy chain 6; minus strand). Cytogenetic location: 14q11.2.
Variant type: single nucleotide variant.
Coding change: c.4084G>A on transcript NM_002471.4 (MANE Select); coding-DNA position 4084, G replaced by A.
Protein change: p.Val1362Ile; replaces valine 1362 with isoleucine.
Molecular consequence: missense variant.
Genome position (GRCh38, 1-based): chr14:23,388,950, C>T on the plus strand (G>A on the coding strand, the complement: MYH6 is on the minus strand). VCF-style: chr14-23388950-C-T. GRCh37 (hg19) VCF-style: chr14-23858159-C-T.
Other names: short protein forms V1362I.
Identifiers: ClinVar variation 664920 (VCV000664920.13), dbSNP rs768398107, ClinGen allele CA7114932.

ClinVar aggregate classification (germline): Uncertain significance. Review status: criteria provided, multiple submitters, no conflicts (2 of 4 stars). 4 submissions from 4 submitters: Uncertain significance (4). Last evaluated 2025-05-27.

Conditions:
Cardiovascular phenotype. Identifiers: MedGen CN230736.
Hypertrophic cardiomyopathy 1 (CMH1). Also called: Familial hypertrophic cardiomyopathy 1; MYH7-Related Familial Hypertrophic Cardiomyopathy. Identifiers: MedGen C3495498, MONDO:0008647, OMIM 192600.
Atrial septal defect 3 (ASD3). Identifiers: Orphanet 1478, MedGen C3279790, MONDO:0013567, OMIM 614089.
Sick sinus syndrome 3, susceptibility to (SSS3). Identifiers: Orphanet 166282, MedGen C3279791, MONDO:0013568, OMIM 614090.
Dilated cardiomyopathy 1EE (CMD1EE). Identifiers: Orphanet 154, MedGen C2750466, MONDO:0013198, OMIM 613252.
Hypertrophic cardiomyopathy 14. Identifiers: MedGen C2750467, MONDO:0013197, OMIM 613251.
MYH6-related disorder. Also called: MYH6-related condition; MYH6-Related Disorders.

Allele frequency attached by ClinVar (database versions not stated): TOPMed below 0.00001; gnomAD 0.00002; ExAC 0.00004; gnomAD exomes 0.00004.
gnomAD v4.1: 30 of 1,613,626 alleles (0.0019%); highest among the groups gnomAD compares: South Asian, 0.0077%; 1 homozygote.

Submissions (4):

Labcorp Genetics (formerly Invitae), Labcorp
Classification: Uncertain significance for Hypertrophic cardiomyopathy 14. Last evaluated: 2025-05-27. Review status: criteria provided, single submitter. Criteria: Invitae Variant Classification Sherloc (09022015). Collection method: clinical testing. Allele origin: germline.
Comment: This sequence change replaces valine, which is neutral and non-polar, with isoleucine, which is neutral and non-polar, at codon 1362 of the MYH6 protein (p.Val1362Ile). This variant is present in population databases (rs768398107, gnomAD 0.01%). This variant has not been reported in the literature in individuals affected with MYH6-related conditions. ClinVar contains an entry for this variant (Variation ID: 664920). Invitae Evidence Modeling of protein sequence and biophysical properties (such as structural, functional, and spatial information, amino acid conservation, physicochemical variation, residue mobility, and thermodynamic stability) indicates that this missense variant is not expected to disrupt MYH6 protein function with a negative predictive value of 80%. In summary, the available evidence is currently insufficient to determine the role of this variant in disease. Therefore, it has been classified as a Variant of Uncertain Significance.

PreventionGenetics, part of Exact Sciences
Classification: Uncertain significance for MYH6-related condition. Last evaluated: 2025-03-14. Review status: criteria provided, single submitter. Criteria: ACMG Guidelines, 2015. Collection method: clinical testing. Allele origin: germline.
Comment: The MYH6 c.4084G>A variant is predicted to result in the amino acid substitution p.Val1362Ile. To our knowledge, this variant has not been reported in the literature. This variant is reported in 0.0098% of alleles in individuals of South Asian descent in gnomAD. At this time, the clinical significance of this variant is uncertain due to the absence of conclusive functional and genetic evidence.

Ambry Genetics
Classification: Uncertain significance for Cardiovascular phenotype. Last evaluated: 2024-12-01. Review status: criteria provided, single submitter. Criteria: Ambry Variant Classification Scheme 2023. Collection method: clinical testing. Allele origin: germline.

Fulgent Genetics
Classification: Uncertain significance for Hypertrophic cardiomyopathy 1; Hypertrophic cardiomyopathy 14; Dilated cardiomyopathy 1EE; Atrial septal defect 3; Sick sinus syndrome 3, susceptibility to. Last evaluated: 2021-11-18. Review status: criteria provided, single submitter. Criteria: ACMG Guidelines, 2015. Collection method: clinical testing. Allele origin: unknown.